The following is an entry in ClinVar:

NM_015330.6(SPECC1L):c.154-1283G>A

Genes: SPECC1L (sperm antigen with calponin homology and coiled-coil domains 1 like; plus strand), SPECC1L-ADORA2A (SPECC1L-ADORA2A readthrough (NMD candidate); plus strand). Cytogenetic location: 22q11.23.
Variant type: single nucleotide variant.
Coding change: c.154-1283G>A on transcript NM_015330.6 (MANE Select); 1283 bases into the intron before coding-DNA position 154, G replaced by A.
Molecular consequence: intron variant.
Genome position (GRCh38, 1-based): chr22:24,312,030, G>A. VCF-style: chr22-24312030-G-A. GRCh37 (hg19) VCF-style: chr22-24707998-G-A.
Other names: c.154-1283G>A (NM_001145468.4, NM_001254732.3).
Identifiers: ClinVar variation 4871925 (VCV004871925.2).
Genomic context (GRCh38, chr22:24,312,030, plus strand): 5'-TTTTTGGGGGGCGGGTGGGGACAGGGTCTCACTCTGTTGCCTAGGCTGGAGTACGGTGGC[G>A]TGATCACAGCTCAGTGCAGCTTTGACCTCCCGGGCTCAAGCGATCCTCTCACTTCAACCT-3'

ClinVar aggregate classification (germline): Likely benign (1 of 4 stars; one submission).

gnomAD v4.1: 319 of 152,128 alleles (0.21%); highest among the groups gnomAD compares: African/African-American, 0.72%; no homozygotes.

Submission:

CeGaT Center for Human Genetics Tuebingen
Classification: Likely benign. Last evaluated: 2026-06-01. Review status: criteria provided, single submitter. Criteria: CeGaT Center For Human Genetics Tuebingen Variant Classification Criteria Version 2. Collection method: clinical testing. Allele origin: germline. Affected: yes. Observed: 1 variant allele.
Comment: SPECC1L: BS1